The following is an entry in ClinVar:

ClinVar aggregate classification (germline): Likely pathogenic (1 of 4 stars; one submission).

Submission:

GeneDx
Classification: Likely pathogenic. Last evaluated: 2021-11-10. Review status: criteria provided, single submitter. Criteria: GeneDx Variant Classification Process June 2021. Collection method: clinical testing. Allele origin: germline. Affected: yes.
Comment: Nonsense variant predicted to result in protein truncation or nonsense mediated decay in a gene for which loss-of-function is a known mechanism of disease; Not observed at significant frequency in large population cohorts (Lek et al., 2016); Observed in a patient with ovarian cancer undergoing hereditary cancer testing (Carter 2018); This variant is associated with the following publications: (PMID: 30322717)

NM_002485.5(NBN):c.325G>T (p.Glu109Ter)

Gene: NBN (nibrin; minus strand). Cytogenetic location: 8q21.3.
Variant type: single nucleotide variant.
Coding change: c.325G>T on transcript NM_002485.5 (MANE Select); coding-DNA position 325, G replaced by T.
Protein change: p.Glu109Ter; replaces glutamic acid 109 with a stop codon.
Molecular consequence: nonsense.
Genome position (GRCh38, 1-based): chr8:89,980,889, C>A on the plus strand (G>T on the coding strand, the complement: NBN is on the minus strand). VCF-style: chr8-89980889-C-A. GRCh37 (hg19) VCF-style: chr8-90993117-C-A.
Other names: c.79G>T, p.Glu27Ter (NM_001024688.3); short protein forms E109*, E27*.
Identifiers: ClinVar variation 418371 (VCV000418371.4), dbSNP rs587780096, ClinGen allele CA16618711.
Genomic context (GRCh38, chr8:89,980,889, plus strand): 5'-TTAAAGCAGTTTTCCCAGAGACATCTAAACAAGAAGAGCATGCAACCAAAGGCTCATACT[C>A]TATTCTGTAAATGAGAATAAGTTAAATAAAGTCATAGTATCAGAGTTGCAGAGATGGCAA-3'